The following is an entry in ClinVar:

ClinVar aggregate classification (germline): Pathogenic. Review status: criteria provided, multiple submitters, no conflicts (2 of 4 stars). 4 submissions from 4 submitters: Pathogenic (4). Last evaluated 2023-03-03.

Conditions:
Hereditary spastic paraplegia 56. Also called: Spastic paraplegia 56, autosomal recessive; SPASTIC PARAPLEGIA 56, AUTOSOMAL RECESSIVE, WITH OR WITHOUT PSEUDOXANTHOMA ELASTICUM; Spastic Paraplegia 56. Identifiers: Orphanet 320411, MedGen C3539507, MONDO:0014015, OMIM 615030.

Allele frequency attached by ClinVar (database versions not stated): ExAC 0.00001; gnomAD exomes 0.00001; TOPMed 0.00001.
gnomAD v4.1: 9 of 1,610,472 alleles (0.00056%); highest among the groups gnomAD compares: East Asian, 0.0045%; no homozygotes.

Submissions (4):

GeneDx
Classification: Pathogenic. Last evaluated: 2023-03-03. Review status: criteria provided, single submitter. Criteria: GeneDx Variant Classification Process June 2021. Collection method: clinical testing. Allele origin: germline. Affected: yes.
Comment: Nonsense variant predicted to result in protein truncation or nonsense mediated decay in a gene for which loss-of-function is a known mechanism of disease; This variant is associated with the following publications: (PMID: 32036589)

CeGaT Center for Human Genetics Tuebingen
Classification: Pathogenic. Last evaluated: 2022-09-01. Review status: criteria provided, single submitter. Criteria: CeGaT Center For Human Genetics Tuebingen Variant Classification Criteria Version 2. Collection method: clinical testing. Allele origin: germline. Affected: yes. Observed: 2 variant alleles.

Institute of Medical Genetics and Applied Genomics, University Hospital Tübingen
Classification: Pathogenic. Last evaluated: 2020-10-23. Review status: criteria provided, single submitter. Criteria: ACMG Guidelines, 2015. Collection method: clinical testing. Allele origin: germline. Inheritance: Autosomal recessive inheritance. Affected: yes.

Kasturba Medical College, Manipal, Kasturba Medical College, Manipal, Manipal Academy of Higher Education, Manipal, India
Classification: Pathogenic for Hereditary spastic paraplegia 56. Review status: criteria provided, single submitter. Criteria: ACMG Guidelines, 2015. Collection method: research. Allele origin: inherited. Affected: yes.

NM_183075.3(CYP2U1):c.1396C>T (p.Arg466Ter)

Gene: CYP2U1 (cytochrome P450 family 2 subfamily U member 1; plus strand). Cytogenetic location: 4q25.
Variant type: single nucleotide variant.
Coding change: c.1396C>T on transcript NM_183075.3 (MANE Select); coding-DNA position 1396, C replaced by T.
Protein change: p.Arg466Ter; replaces arginine 466 with a stop codon.
Molecular consequence: nonsense.
Genome position (GRCh38, 1-based): chr4:107,949,457, C>T. VCF-style: chr4-107949457-C-T. GRCh37 (hg19) VCF-style: chr4-108870613-C-T.
Other names: short protein forms R466*.
Identifiers: ClinVar variation 374541 (VCV000374541.48), dbSNP rs766380148, ClinGen allele CA3037195.